The following is an entry in ClinVar:

NM_000038.6(APC):c.6747A>G (p.Lys2249=)

Gene: APC (APC regulator of Wnt signaling pathway; plus strand). Cytogenetic location: 5q22.2.
Variant type: single nucleotide variant.
Coding change: c.6747A>G on transcript NM_000038.6 (MANE Select); coding-DNA position 6747, A replaced by G.
Protein change: p.Lys2249=; no amino-acid change (lysine 2249 retained).
Molecular consequence: synonymous variant.
Genome position (GRCh38, 1-based): chr5:112,842,341, A>G. VCF-style: chr5-112842341-A-G. GRCh37 (hg19) VCF-style: chr5-112178038-A-G.
Other names: c.6747A>G, p.Lys2249= (NM_001127510.3, NM_001354895.2); c.6693A>G, p.Lys2231= (NM_001127511.3); c.6801A>G, p.Lys2267= (NM_001354896.2); c.6777A>G, p.Lys2259= (NM_001354897.2); c.6672A>G, p.Lys2224= (NM_001354898.2); c.6663A>G, p.Lys2221= (NM_001354899.2); c.6624A>G, p.Lys2208= (NM_001354900.2); c.6570A>G, p.Lys2190= (NM_001354901.2); and 5 more.
Identifiers: ClinVar variation 922168 (VCV000922168.16), dbSNP rs1196959150, ClinGen allele CA446209981.
Genomic context (GRCh38, chr5:112,842,341, plus strand): 5'-AATGATTCATATTCCAGGAGTTCGAAATAGCTCCTCAAGTACAAGTCCTGTTTCTAAAAA[A>G]GGCCCACCCCTTAAGACTCCAGCCTCCAAAAGCCCTAGTGAAGGTCAAACAGCCACCACT-3'
Protein context (NP_000029.2, residues 2239-2259): SSSSTSPVSK[Lys2249=]GPPLKTPASK

ClinVar aggregate classification (germline): Conflicting classifications of pathogenicity. Review status: criteria provided, conflicting classifications (1 of 4 stars). 6 submissions from 6 submitters: Uncertain significance (1); Benign (1); Likely benign (4). Last evaluated 2025-10-17.

Conditions:
Classic or attenuated familial adenomatous polyposis. Identifiers: MedGen CN372698, MONDO:0021057.
Hereditary cancer-predisposing syndrome. Also called: Neoplastic Syndromes, Hereditary; Tumor predisposition; Hereditary Cancer Syndrome; Hereditary neoplastic syndrome. Identifiers: Orphanet 140162, MedGen C0027672, MeSH D009386, MONDO:0015356.
Familial adenomatous polyposis 1 (FAP1). Also called: FAMILIAL ADENOMATOUS POLYPOSIS 1, ATTENUATED; POLYPOSIS, ADENOMATOUS INTESTINAL. Identifiers: MedGen C2713442, MONDO:0021056, OMIM 175100. Disease mechanism: loss of function.

Allele frequency attached by ClinVar (database versions not stated): gnomAD 0.00001.

Submissions (6):

Labcorp Genetics (formerly Invitae), Labcorp
Classification: Likely benign for Familial adenomatous polyposis 1. Last evaluated: 2025-10-17. Review status: criteria provided, single submitter. Criteria: Invitae Variant Classification Sherloc (09022015). Collection method: clinical testing. Allele origin: germline.

Myriad Genetics, Inc.
Classification: Benign for Familial adenomatous polyposis 1. Last evaluated: 2024-04-05. Review status: criteria provided, single submitter. Criteria: Myriad Autosomal Dominant, Autosomal Recessive and X-Linked Classification Criteria (2023). Collection method: clinical testing. Allele origin: unknown.
Comment: This variant is considered benign. This variant is a silent/synonymous amino acid change and it is not expected to impact splicing.

All of Us Research Program, National Institutes of Health
Classification: Likely benign for Classic or attenuated familial adenomatous polyposis. Last evaluated: 2023-11-20. Review status: criteria provided, single submitter. Criteria: ACMG Guidelines, 2015. Collection method: clinical testing. Allele origin: germline. Inheritance: Autosomal dominant inheritance. Observed: 1 variant allele, 1 heterozygote.
Comment: This study involves interpretation of variants in research participants for the purpose of population health screening. Participant phenotype was not available at the time of variant classification. Additional details can be found in publication PMID: 35346344, PMCID: PMC8962531

Quest Diagnostics Nichols Institute San Juan Capistrano
Classification: Uncertain significance. Last evaluated: 2022-11-30. Review status: criteria provided, single submitter. Criteria: Quest Diagnostics criteria. Collection method: clinical testing. Allele origin: unknown.
Comment: To the best of our knowledge, the variant has not been reported in the published literature. It also has not been reported in large, multi-ethnic general populations. Analysis of this variant using software algorithms for the prediction of the effect of nucleotide changes on splicing yielded predictions that this variant does not affect APC mRNA splicing . Based on the available information, we are unable to determine the clinical significance of this variant.

Ambry Genetics
Classification: Likely benign for Hereditary cancer-predisposing syndrome. Last evaluated: 2020-01-28. Review status: criteria provided, single submitter. Criteria: Ambry Variant Classification Scheme 2023. Collection method: clinical testing. Allele origin: germline.

Color Diagnostics, LLC DBA Color Health
Classification: Likely benign for Hereditary cancer-predisposing syndrome. Last evaluated: 2018-10-24. Review status: criteria provided, single submitter. Criteria: ACMG Guidelines, 2015. Collection method: clinical testing. Allele origin: germline.